The following is an entry in ClinVar:

ClinVar aggregate classification (germline): Benign/Likely benign. Review status: criteria provided, multiple submitters, no conflicts (2 of 4 stars). 13 submissions from 13 submitters: Benign (10); Likely benign (1). 2 of the submissions do not count toward it. Last evaluated 2026-02-04.

Conditions:
Intrauterine growth retardation, metaphyseal dysplasia, adrenal hypoplasia congenita, genital anomalies, and immunodeficiency. Also called: IMAGEI SYNDROME. Identifiers: MedGen C5193036, MONDO:0032684, OMIM 618336.
Facial dysmorphism-immunodeficiency-livedo-short stature syndrome. Also called: Facial dysmorphism, immunodeficiency, livedo, and short stature; FILS syndrome. Identifiers: Orphanet 352712, MedGen C3554576, MONDO:0014058, OMIM 615139.
Colorectal cancer, susceptibility to, 12 (CRCS12). Also called: COLORECTAL CANCER, SUSCEPTIBILITY TO, ON CHROMOSOME 12q24. Identifiers: Orphanet 220460, MedGen C3554460, MONDO:0014038, OMIM 615083.
Hereditary cancer-predisposing syndrome. Also called: Tumor predisposition; Neoplastic Syndromes, Hereditary; Hereditary neoplastic syndrome; Hereditary Cancer Syndrome. Identifiers: Orphanet 140162, MedGen C0027672, MeSH D009386, MONDO:0015356.

Allele frequency attached by ClinVar (database versions not stated): 1000 Genomes Project 30x 0.05325; 1000 Genomes Project 0.05691; TOPMed 0.07129; gnomAD 0.07621 and 0.07688; ESP Exome Variant Server 0.07635; ExAC 0.08568; gnomAD exomes 0.08598 and 0.10154.
gnomAD v4.1: 159,920 of 1,613,392 alleles (9.9%); highest among the groups gnomAD compares: Non-Finnish European, 11%; 8,666 homozygotes.

Submissions (13):

Labcorp Genetics (formerly Invitae), Labcorp
Classification: Benign. Last evaluated: 2026-02-04. Review status: criteria provided, single submitter. Criteria: Invitae Variant Classification Sherloc (09022015). Collection method: clinical testing. Allele origin: germline.

GeneKor MSA
Classification: Benign for Hereditary cancer-predisposing syndrome. Last evaluated: 2025-07-10. Review status: criteria provided, single submitter. Criteria: ACMG Guidelines, 2015. Collection method: clinical testing. Allele origin: germline.

Blueprint Genetics
Classification: Likely benign. Last evaluated: 2024-11-27. Review status: criteria provided, single submitter. Criteria: ACMG Guidelines, 2015. Collection method: clinical testing. Allele origin: germline.

KCCC/NGS Laboratory, Kuwait Cancer Control Center
Classification: Benign for Colorectal cancer, susceptibility to, 12. Last evaluated: 2023-07-07. Review status: criteria provided, single submitter. Criteria: ACMG Guidelines, 2015. Collection method: clinical testing. Allele origin: germline. Affected: yes.

Mayo Clinic Laboratories, Mayo Clinic
Classification: Benign. Last evaluated: 2021-07-07. Review status: criteria provided, single submitter. Criteria: ACMG Guidelines, 2015. Collection method: clinical testing. Allele origin: germline. Observed: 146 variant alleles.

Department of Pathology and Laboratory Medicine, Sinai Health System
Classification: Benign for Colorectal cancer, susceptibility to, 12; Facial dysmorphism-immunodeficiency-livedo-short stature syndrome; Intrauterine growth retardation, metaphyseal dysplasia, adrenal hypoplasia congenita, genital anomalies, and immunodeficiency. Last evaluated: 2020-07-13. Review status: criteria provided, single submitter. Criteria: ACMG Guidelines, 2015. Collection method: clinical testing. Allele origin: germline.

PreventionGenetics, part of Exact Sciences
Classification: Benign. Last evaluated: 2016-10-03. Review status: criteria provided, single submitter. Criteria: ACMG Guidelines, 2015. Collection method: clinical testing. Allele origin: germline.

Women's Health and Genetics/Laboratory Corporation of America, LabCorp
Classification: Benign. Last evaluated: 2016-05-24. Review status: criteria provided, single submitter. Criteria: LabCorp Variant Classification Summary - May 2015. Collection method: clinical testing. Allele origin: germline.
Comment: Variant summary: The POLE c.755C>T (p.Ala252Val) variant involves the alteration of a conserved nucleotide. 3/4 in silico tools predict a benign outcome (Mutation Taster not captured due to low p-value). This variant was found in 10401/121392 control chromosomes (545 homozygotes) at a frequency of 0.0856811, which is 6032 times the estimated maximal expected allele frequency of a pathogenic POLE variant (0.0000142), highly suggesting this variant is a benign polymorphism. The variant has been identified in patients, but not at a significantly higher frequency than in healthy controls (Kane_Cancer Res_2014). Taken together, this variant is classified as benign.

GeneDx
Classification: Benign. Last evaluated: 2015-11-06. Review status: criteria provided, single submitter. Criteria: GeneDx Variant Classification (06012015). Collection method: clinical testing. Allele origin: germline. Affected: yes.
Comment: This variant is considered likely benign or benign based on one or more of the following criteria: it is a conservative change, it occurs at a poorly conserved position in the protein, it is predicted to be benign by multiple in silico algorithms, and/or has population frequency not consistent with disease.

Ambry Genetics
Classification: Benign for Hereditary cancer-predisposing syndrome. Last evaluated: 2015-05-21. Review status: criteria provided, single submitter. Criteria: Ambry Variant Classification Scheme 2023. Collection method: clinical testing. Allele origin: germline.

Breakthrough Genomics
Classification: Benign. Review status: criteria provided, single submitter. Criteria: ACMG Guidelines, 2015. Collection method: not provided. Allele origin: germline. Inheritance: Autosomal recessive inheritance. Affected: yes.

Clinical Genetics, Academic Medical Center
Classification: Benign. Review status: no assertion criteria provided. Collection method: clinical testing. Allele origin: germline. Affected: yes. Study: VKGL Data-share Consensus. Not counted in ClinVar's aggregate classification.

Joint Genome Diagnostic Labs from Nijmegen and Maastricht, Radboudumc and MUMC+
Classification: Benign. Review status: no assertion criteria provided. Collection method: clinical testing. Allele origin: germline. Affected: yes. Study: VKGL Data-share Consensus. Not counted in ClinVar's aggregate classification.

Literature cited by the submitters: PubMed 24525744 (cited by Women's Health and Genetics/Laboratory Corporation of America, LabCorp).

NM_006231.4(POLE):c.755C>T (p.Ala252Val)

Gene: POLE (DNA polymerase epsilon, catalytic subunit; minus strand). Cytogenetic location: 12q24.33.
Variant type: single nucleotide variant.
Coding change: c.755C>T on transcript NM_006231.4 (MANE Select); coding-DNA position 755, C replaced by T.
Protein change: p.Ala252Val; replaces alanine 252 with valine.
Molecular consequence: missense variant.
Genome position (GRCh38, 1-based): chr12:132,677,409, G>A on the plus strand (C>T on the coding strand, the complement: POLE is on the minus strand). VCF-style: chr12-132677409-G-A. GRCh37 (hg19) VCF-style: chr12-133253995-G-A.
Other names: p.Ala252Val; short protein forms A252V.
Identifiers: ClinVar variation 380210 (VCV000380210.24), dbSNP rs5744751, ClinGen allele CA6894196.